The following is an entry in ClinVar:

ClinVar aggregate classification (germline): Uncertain significance (1 of 4 stars; one submission).

Conditions:
Fetal akinesia deformation sequence 1 (FADS1). Also called: Fetal akinesia sequence; Pena-Shokeir syndrome type I. Identifiers: Orphanet 994, MedGen C1276035, MONDO:0100101, OMIM 208150, HP:0001989.
Congenital myasthenic syndrome 10. Also called: Myasthenia, limb-girdle, familial. Identifiers: Orphanet 590, MedGen C1850792, MONDO:0009690, OMIM 254300.

Submission:

Labcorp Genetics (formerly Invitae), Labcorp
Classification: Uncertain significance for Congenital myasthenic syndrome 10; Fetal akinesia deformation sequence 1. Last evaluated: 2022-03-11. Review status: criteria provided, single submitter. Criteria: Invitae Variant Classification Sherloc (09022015). Collection method: clinical testing. Allele origin: germline.
Comment: In summary, the available evidence is currently insufficient to determine the role of this variant in disease. Therefore, it has been classified as a Variant of Uncertain Significance. Algorithms developed to predict the effect of missense changes on protein structure and function are either unavailable or do not agree on the potential impact of this missense change (SIFT: "Deleterious"; PolyPhen-2: "Probably Damaging"; Align-GVGD: "Class C0"). This variant has not been reported in the literature in individuals affected with DOK7-related conditions. This variant is not present in population databases (gnomAD no frequency). This sequence change replaces leucine, which is neutral and non-polar, with proline, which is neutral and non-polar, at codon 59 of the DOK7 protein (p.Leu59Pro).

NM_173660.5(DOK7):c.176T>C (p.Leu59Pro)

Gene: DOK7 (docking protein 7; plus strand). Cytogenetic location: 4p16.3.
Variant type: single nucleotide variant.
Coding change: c.176T>C on transcript NM_173660.5 (MANE Select); coding-DNA position 176, T replaced by C.
Protein change: p.Leu59Pro; replaces leucine 59 with proline.
Molecular consequence: missense variant. On other transcripts: intron variant (1).
Genome position (GRCh38, 1-based): chr4:3,473,481, T>C. VCF-style: chr4-3473481-T-C. GRCh37 (hg19) VCF-style: chr4-3475208-T-C.
Other names: c.176T>C, p.Leu59Pro (NM_001164673.2, NM_001301071.2); c.100+9930T>C (NM_001363811.2); short protein forms L59P.
Identifiers: ClinVar variation 2109094 (VCV002109094.4), dbSNP rs1397004199, ClinGen allele CA356113262.